The following is an entry in ClinVar:

ClinVar aggregate classification (germline): Uncertain significance (1 of 4 stars; one submission).

Conditions:
Familial colorectal cancer. Identifiers: MedGen CN280943, MONDO:0023113. Disease mechanism: loss of function.

Submission:

Labcorp Genetics (formerly Invitae), Labcorp
Classification: Uncertain significance for Familial colorectal cancer. Last evaluated: 2019-06-06. Review status: criteria provided, single submitter. Criteria: Invitae Variant Classification Sherloc (09022015). Collection method: clinical testing. Allele origin: germline.
Comment: This variant results in a copy number gain of the genomic region encompassing the promoter of the GREM1 gene. The precise boundaries of this event are unknown. Two different tandem duplications (40 kb and 16 kb) spanning the 3' end of the SCG5 gene and the region upstream of the GREM1 gene have been reported in families with hereditary mixed polyposis syndrome (PMID: 22561515, 25992589, 26493165). However, the variant identified in this individual occurs further upstream of those variants, and the impact of the this duplicated sequence on GREM1 expression and function has not been established. Experimental studies and prediction algorithms are not available for this variant, and the functional significance of this non-coding change is currently unknown. In summary, the available evidence is currently insufficient to determine the role of this variant in disease. Therefore, it has been classified as a Variant of Uncertain Significance.

Literature cited by the submitters: PubMed 22561515; PubMed 25992589; PubMed 26493165.

NC_000015.9:g.(?_32988695)_(33004759_?)dup

Genes: ARHGAP11A-SCG5 (ARHGAP11A-SCG5 readthrough; plus strand), GREM1 (gremlin 1, DAN family BMP antagonist; plus strand), SCG5 (secretogranin V; plus strand), LOC125078054 (Sharpr-MPRA regulatory region 2498; plus strand). Cytogenetic location: 15q13.3.
Variant type: Duplication.
Identifiers: ClinVar variation 543045 (VCV000543045.9).